The following is an entry in ClinVar:

ClinVar aggregate classification (germline): Benign (1 of 4 stars; one submission).

Allele frequency attached by ClinVar (database versions not stated): 1000 Genomes Project 0.00120; ExAC 0.00180; 1000 Genomes Project 30x 0.00219; ESP Exome Variant Server 0.00451; TOPMed 0.00560.
gnomAD v4.1: 13,139 of 1,536,820 alleles (0.85%); highest among the groups gnomAD compares: Non-Finnish European, 1.1%; 82 homozygotes.

Submission:

CeGaT Center for Human Genetics Tuebingen
Classification: Benign. Last evaluated: 2023-06-01. Review status: criteria provided, single submitter. Criteria: CeGaT Center For Human Genetics Tuebingen Variant Classification Criteria Version 2. Collection method: clinical testing. Allele origin: germline. Affected: yes. Observed: 1 variant allele.
Comment: ADGRA2: PP2, BS1, BS2

NM_032777.10(ADGRA2):c.3437T>C (p.Val1146Ala)

Gene: ADGRA2 (adhesion G protein-coupled receptor A2; plus strand). Cytogenetic location: 8p11.23.
Variant type: single nucleotide variant.
Coding change: c.3437T>C on transcript NM_032777.10 (MANE Select); coding-DNA position 3437, T replaced by C.
Protein change: p.Val1146Ala; replaces valine 1146 with alanine.
Molecular consequence: missense variant.
Genome position (GRCh38, 1-based): chr8:37,841,775, T>C. VCF-style: chr8-37841775-T-C. GRCh37 (hg19) VCF-style: chr8-37699293-T-C.
Other names: short protein forms V1146A.
Identifiers: ClinVar variation 2658538 (VCV002658538.24), dbSNP rs111828443, ClinGen allele CA4712498.